The following is an entry in ClinVar:

ClinVar aggregate classification (germline): Benign/Likely benign. Review status: criteria provided, multiple submitters, no conflicts (2 of 4 stars). 5 submissions from 5 submitters: Benign (1); Likely benign (4). Last evaluated 2025-05-21.

Conditions:
Hereditary cancer-predisposing syndrome. Also called: Hereditary Cancer Syndrome; Hereditary neoplastic syndrome; Neoplastic Syndromes, Hereditary; Tumor predisposition. Identifiers: Orphanet 140162, MedGen C0027672, MeSH D009386, MONDO:0015356.
Familial adenomatous polyposis 1 (FAP1). Also called: FAMILIAL ADENOMATOUS POLYPOSIS 1, ATTENUATED; POLYPOSIS, ADENOMATOUS INTESTINAL. Identifiers: MedGen C2713442, MONDO:0021056, OMIM 175100. Disease mechanism: loss of function.

Allele frequency attached by ClinVar (database versions not stated): gnomAD exomes below 0.00001.
gnomAD v4.1: 2 of 1,612,498 alleles (0.00012%); highest among the groups gnomAD compares: Non-Finnish European, 0.00017%; no homozygotes.

Submissions (5):

Labcorp Genetics (formerly Invitae), Labcorp
Classification: Likely benign for Familial adenomatous polyposis 1. Last evaluated: 2025-05-21. Review status: criteria provided, single submitter. Criteria: Invitae Variant Classification Sherloc (09022015). Collection method: clinical testing. Allele origin: germline.

Myriad Genetics, Inc.
Classification: Benign for Familial adenomatous polyposis 1. Last evaluated: 2024-02-26. Review status: criteria provided, single submitter. Criteria: Myriad Autosomal Dominant, Autosomal Recessive and X-Linked Classification Criteria (2023). Collection method: clinical testing. Allele origin: unknown.
Comment: This variant is considered benign. This variant is a silent/synonymous amino acid change and it is not expected to impact splicing.

Color Diagnostics, LLC DBA Color Health
Classification: Likely benign for Hereditary cancer-predisposing syndrome. Last evaluated: 2017-11-17. Review status: criteria provided, single submitter. Criteria: ACMG Guidelines, 2015. Collection method: clinical testing. Allele origin: germline.

Ambry Genetics
Classification: Likely benign for Hereditary cancer-predisposing syndrome. Last evaluated: 2016-10-14. Review status: criteria provided, single submitter. Criteria: Ambry Variant Classification Scheme 2023. Collection method: clinical testing. Allele origin: germline.

GeneDx
Classification: Likely benign. Last evaluated: 2016-01-05. Review status: criteria provided, single submitter. Criteria: GeneDx Variant Classification (06012015). Collection method: clinical testing. Allele origin: germline. Affected: yes.
Comment: This variant is considered likely benign or benign based on one or more of the following criteria: it is a conservative change, it occurs at a poorly conserved position in the protein, it is predicted to be benign by multiple in silico algorithms, and/or has population frequency not consistent with disease.

NM_000038.6(APC):c.684A>T (p.Ile228=)

Gene: APC (APC regulator of Wnt signaling pathway; plus strand). Cytogenetic location: 5q22.2.
Variant type: single nucleotide variant.
Coding change: c.684A>T on transcript NM_000038.6 (MANE Select); coding-DNA position 684, A replaced by T.
Protein change: p.Ile228=; no amino-acid change (isoleucine 228 retained).
Molecular consequence: synonymous variant. On other transcripts: 5 prime UTR variant (1), intron variant (2).
Genome position (GRCh38, 1-based): chr5:112,792,484, A>T. VCF-style: chr5-112792484-A-T. GRCh37 (hg19) VCF-style: chr5-112128181-A-T.
Other names: c.684A>T, p.Ile228= (NM_001127510.3, NM_001354895.2, NM_001354896.2 and 1 more transcripts); c.714A>T, p.Ile238= (NM_001354897.2, NM_001354902.2); c.609A>T, p.Ile203= (NM_001354898.2, NM_001354904.2); c.507A>T, p.Ile169= (NM_001354900.2, NM_001354901.2, NM_001354905.2); c.-352A>T (NM_001354906.2); c.676-8795A>T (NM_001127511.3); c.646-8795A>T (NM_001354899.2).
Identifiers: ClinVar variation 382838 (VCV000382838.19), dbSNP rs1057521466, ClinGen allele CA16604762.